The following is an entry in ClinVar:

NM_001457.4(FLNB):c.542-203G>A

Gene: FLNB (filamin B; plus strand). Cytogenetic location: 3p14.3.
Variant type: single nucleotide variant.
Coding change: c.542-203G>A on transcript NM_001457.4 (MANE Select); 203 bases into the intron before coding-DNA position 542, G replaced by A.
Molecular consequence: intron variant.
Genome position (GRCh38, 1-based): chr3:58,078,514, G>A. VCF-style: chr3-58078514-G-A. GRCh37 (hg19) VCF-style: chr3-58064241-G-A.
Other names: c.542-203G>A (NM_001164317.2, NM_001164318.2, NM_001164319.2).
Identifiers: ClinVar variation 2653913 (VCV002653913.24), dbSNP rs2470995195, ClinGen allele CA353333728.

ClinVar aggregate classification (germline): Uncertain significance (1 of 4 stars; one submission).

Allele frequency attached by ClinVar (database versions not stated): gnomAD exomes below 0.00001.
gnomAD v4.1: 2 of 1,536,476 alleles (0.00013%); highest among the groups gnomAD compares: Non-Finnish European, 0.00017%; no homozygotes.

Submission:

CeGaT Center for Human Genetics Tuebingen
Classification: Uncertain significance. Last evaluated: 2022-12-01. Review status: criteria provided, single submitter. Criteria: CeGaT Center For Human Genetics Tuebingen Variant Classification Criteria Version 2. Collection method: clinical testing. Allele origin: germline. Affected: yes. Observed: 1 variant allele.
Comment: FLNB: PM2, BP4